The following is an entry in ClinVar:

NM_004656.4(BAP1):c.1853C>T (p.Pro618Leu)

Gene: BAP1 (BRCA1 associated deubiquitinase 1; minus strand). Cytogenetic location: 3p21.1.
Variant type: single nucleotide variant.
Coding change: c.1853C>T on transcript NM_004656.4 (MANE Select); coding-DNA position 1853, C replaced by T.
Protein change: p.Pro618Leu; replaces proline 618 with leucine.
Molecular consequence: missense variant.
Genome position (GRCh38, 1-based): chr3:52,403,175, G>A on the plus strand (C>T on the coding strand, the complement: BAP1 is on the minus strand). VCF-style: chr3-52403175-G-A. GRCh37 (hg19) VCF-style: chr3-52437191-G-A.
Other names: c.1799C>T, p.Pro600Leu (NM_001410772.1); short protein forms P618L, P600L.
Identifiers: ClinVar variation 1781371 (VCV001781371.9), dbSNP rs1705021477, ClinGen allele CA353098156.

ClinVar aggregate classification (germline): Uncertain significance. Review status: criteria provided, multiple submitters, no conflicts (2 of 4 stars). 3 submissions from 3 submitters: Uncertain significance (3). Last evaluated 2025-09-10.

Conditions:
Hereditary cancer-predisposing syndrome. Also called: Neoplastic Syndromes, Hereditary; Tumor predisposition; Hereditary Cancer Syndrome; Hereditary neoplastic syndrome. Identifiers: Orphanet 140162, MedGen C0027672, MeSH D009386, MONDO:0015356.
BAP1-related tumor predisposition syndrome (TPDS1). Also called: Tumor susceptibility linked to germline BAP1 mutations; BAP1 tumor predisposition syndrome; COMMON Syndrome; TUMOR PREDISPOSITION SYNDROME 1. Identifiers: Orphanet 289539, MedGen C3280492, MONDO:0013692, OMIM 614327.

Allele frequency attached by ClinVar (database versions not stated): TOPMed below 0.00001; gnomAD exomes 0.00001.
gnomAD v4.1: 5 of 1,614,074 alleles (0.00031%); highest among the groups gnomAD compares: Non-Finnish European, 0.00042%; no homozygotes.

Submissions (3):

Labcorp Genetics (formerly Invitae), Labcorp
Classification: Uncertain significance for BAP1-related tumor predisposition syndrome. Last evaluated: 2025-09-10. Review status: criteria provided, single submitter. Criteria: Invitae Variant Classification Sherloc (09022015). Collection method: clinical testing. Allele origin: germline.
Comment: This sequence change replaces proline, which is neutral and non-polar, with leucine, which is neutral and non-polar, at codon 618 of the BAP1 protein (p.Pro618Leu). This variant is not present in population databases (gnomAD no frequency). This variant has not been reported in the literature in individuals affected with BAP1-related conditions. ClinVar contains an entry for this variant (Variation ID: 1781371). Invitae Evidence Modeling of protein sequence and biophysical properties (such as structural, functional, and spatial information, amino acid conservation, physicochemical variation, residue mobility, and thermodynamic stability) indicates that this missense variant is not expected to disrupt BAP1 protein function with a negative predictive value of 80%. In summary, the available evidence is currently insufficient to determine the role of this variant in disease. Therefore, it has been classified as a Variant of Uncertain Significance.

Color Diagnostics, LLC DBA Color Health
Classification: Uncertain significance for Hereditary cancer-predisposing syndrome. Last evaluated: 2024-08-19. Review status: criteria provided, single submitter. Criteria: ACMG Guidelines, 2015. Collection method: clinical testing. Allele origin: germline.
Comment: This missense variant replaces proline with leucine at codon 618 of the BAP1 protein. Computational prediction suggests that this variant may not impact protein structure and function. To our knowledge, functional studies have not been reported for this variant. This variant has not been reported in individuals affected with hereditary cancer in the literature. This variant has not been identified in the general population by the Genome Aggregation Database (gnomAD). The available evidence is insufficient to determine the role of this variant in disease conclusively. Therefore, this variant is classified as a Variant of Uncertain Significance.

Ambry Genetics
Classification: Uncertain significance for Hereditary cancer-predisposing syndrome. Last evaluated: 2024-06-20. Review status: criteria provided, single submitter. Criteria: Ambry Variant Classification Scheme 2023. Collection method: clinical testing. Allele origin: germline.
Comment: The p.P618L variant (also known as c.1853C>T), located in coding exon 14 of the BAP1 gene, results from a C to T substitution at nucleotide position 1853. The proline at codon 618 is replaced by leucine, an amino acid with similar properties. This alteration was identified in 1/1358 non-cancer control individuals and in 0/57 cases, in a study looking at cancer predisposition mutations in patients with cutaneous melanoma and a history of at least two additional non-cutaneous melanoma primary cancers (Pritchard AL et al. PLoS One, 2018 Apr;13:e0194098). This amino acid position is not well conserved in available vertebrate species. In addition, this alteration is predicted to be tolerated by in silico analysis. Based on the available evidence, the clinical significance of this variant remains unclear.

Literature cited by the submitters: PubMed 29641532 (cited by Ambry Genetics).